The following is an entry in ClinVar:

ClinVar aggregate classification (germline): Conflicting classifications of pathogenicity. Review status: criteria provided, conflicting classifications (1 of 4 stars). 4 submissions from 4 submitters: Uncertain significance (3); Benign (1). Last evaluated 2024-11-07.

Conditions:
Cardiovascular phenotype. Identifiers: MedGen CN230736.
Alstrom syndrome (ALMS). Identifiers: Orphanet 64, MedGen C0268425, MONDO:0008763, OMIM 203800.

Allele frequency attached by ClinVar (database versions not stated): TOPMed below 0.00001; gnomAD 0.00001 and 0.00003; gnomAD exomes 0.00004 and 0.00010; ExAC 0.00010; 1000 Genomes Project 30x 0.00047; 1000 Genomes Project 0.00060.
gnomAD v4.1: 63 of 1,614,076 alleles (0.0039%); highest among the groups gnomAD compares: South Asian, 0.064%; no homozygotes.

Submissions (4):

GeneDx
Classification: Uncertain significance. Last evaluated: 2024-11-07. Review status: criteria provided, single submitter. Criteria: GeneDx Variant Classification Process June 2021. Collection method: clinical testing. Allele origin: germline. Affected: yes.
Comment: In silico analysis indicates that this missense variant does not alter protein structure/function; Has not been previously published as pathogenic or benign to our knowledge

Ambry Genetics
Classification: Benign for Cardiovascular phenotype. Last evaluated: 2023-12-12. Review status: criteria provided, single submitter. Criteria: Ambry Variant Classification Scheme 2023. Collection method: clinical testing. Allele origin: germline.

Labcorp Genetics (formerly Invitae), Labcorp
Classification: Uncertain significance for Alstrom syndrome. Last evaluated: 2022-09-01. Review status: criteria provided, single submitter. Criteria: Invitae Variant Classification Sherloc (09022015). Collection method: clinical testing. Allele origin: germline.
Comment: This sequence change replaces leucine, which is neutral and non-polar, with valine, which is neutral and non-polar, at codon 3214 of the ALMS1 protein (p.Leu3214Val). This variant is present in population databases (rs575305602, gnomAD 0.09%). This variant has not been reported in the literature in individuals affected with ALMS1-related conditions. ClinVar contains an entry for this variant (Variation ID: 1428719). Experimental studies and prediction algorithms are not available or were not evaluated, and the functional significance of this variant is currently unknown. In summary, the available evidence is currently insufficient to determine the role of this variant in disease. Therefore, it has been classified as a Variant of Uncertain Significance.

Fulgent Genetics
Classification: Uncertain significance for Alstrom syndrome. Last evaluated: 2021-11-23. Review status: criteria provided, single submitter. Criteria: ACMG Guidelines, 2015. Collection method: clinical testing. Allele origin: unknown.

NM_001378454.1(ALMS1):c.9637C>G (p.Leu3213Val)

Gene: ALMS1 (ALMS1 centrosome and basal body associated protein; plus strand). Cytogenetic location: 2p13.1.
Variant type: single nucleotide variant.
Coding change: c.9637C>G on transcript NM_001378454.1 (MANE Select); coding-DNA position 9637, C replaced by G.
Protein change: p.Leu3213Val; replaces leucine 3213 with valine.
Molecular consequence: missense variant.
Genome position (GRCh38, 1-based): chr2:73,519,872, C>G. VCF-style: chr2-73519872-C-G. GRCh37 (hg19) VCF-style: chr2-73746999-C-G.
Other names: c.9640C>G, p.Leu3214Val (NM_015120.4); short protein forms L3214V, L3213V.
Identifiers: ClinVar variation 1428719 (VCV001428719.6), dbSNP rs575305602, ClinGen allele CA1714724.
Genomic context (GRCh38, chr2:73,519,872, plus strand): 5'-TCTGAAAAATTGTCATCTGATGCAGTCACTCAGATAACAACAGAAAGTCCAGAAAAGACC[C>G]TATTTTCATCTGAGATTTTTATTAATGCTGAAGATCGTGGACATGAAATTATAGAGCCTG-3'
Protein context (NP_001365383.1, residues 3203-3223): QITTESPEKT[Leu3213Val]FSSEIFINAE